The following is an entry in ClinVar:

NM_017950.4(CCDC40):c.2832+445A>G

Gene: CCDC40 (coiled-coil domain 40 molecular ruler complex subunit; plus strand). Cytogenetic location: 17q25.3.
Variant type: single nucleotide variant.
Coding change: c.2832+445A>G on transcript NM_017950.4 (MANE Select); 445 bases into the intron after coding-DNA position 2832, A replaced by G.
Molecular consequence: intron variant. On other transcripts: missense variant (1).
Genome position (GRCh38, 1-based): chr17:80,090,329, A>G. VCF-style: chr17-80090329-A-G. GRCh37 (hg19) VCF-style: chr17-78064128-A-G.
Other names: c.3023A>G, p.Gln1008Arg (NM_001243342.2); short protein forms Q1008R.
Identifiers: ClinVar variation 4533429 (VCV004533429.6).

ClinVar aggregate classification (germline): Likely benign (1 of 4 stars; one submission).

Submission:

CeGaT Center for Human Genetics Tuebingen
Classification: Likely benign. Last evaluated: 2025-11-01. Review status: criteria provided, single submitter. Criteria: CeGaT Center For Human Genetics Tuebingen Variant Classification Criteria Version 2. Collection method: clinical testing. Allele origin: germline. Affected: yes. Observed: 1 variant allele.
Comment: CCDC40: BP4, BS2